The following is an entry in ClinVar:

NM_001134363.3(RBM20):c.3519G>C (p.Glu1173Asp)

Gene: RBM20 (RNA binding motif protein 20; plus strand). Cytogenetic location: 10q25.2.
Variant type: single nucleotide variant.
Coding change: c.3519G>C on transcript NM_001134363.3 (MANE Select); coding-DNA position 3519, G replaced by C.
Protein change: p.Glu1173Asp; replaces glutamic acid 1173 with aspartic acid.
Molecular consequence: missense variant.
Genome position (GRCh38, 1-based): chr10:110,831,128, G>C. VCF-style: chr10-110831128-G-C. GRCh37 (hg19) VCF-style: chr10-112590886-G-C.
Other names: short protein forms E1173D.
Identifiers: ClinVar variation 3943639 (VCV003943639.1).

ClinVar aggregate classification (germline): Uncertain significance (1 of 4 stars; one submission).

Conditions:
Cardiovascular phenotype. Identifiers: MedGen CN230736.

Submission:

Ambry Genetics
Classification: Uncertain significance for Cardiovascular phenotype. Last evaluated: 2025-04-30. Review status: criteria provided, single submitter. Criteria: Ambry Variant Classification Scheme 2023. Collection method: clinical testing. Allele origin: germline.
Comment: The p.E1173D variant (also known as c.3519G>C), located in coding exon 13 of the RBM20 gene, results from a G to C substitution at nucleotide position 3519. The glutamic acid at codon 1173 is replaced by aspartic acid, an amino acid with highly similar properties. This amino acid position is conserved. In addition, the in silico prediction for this alteration is inconclusive. Based on the available evidence, the clinical significance of this variant remains unclear.